The following is an entry in ClinVar:

NM_001903.5(CTNNA1):c.10G>A (p.Val4Ile)

Gene: CTNNA1 (catenin alpha 1; plus strand). Cytogenetic location: 5q31.2.
Variant type: single nucleotide variant.
Coding change: c.10G>A on transcript NM_001903.5 (MANE Select); coding-DNA position 10, G replaced by A.
Protein change: p.Val4Ile; replaces valine 4 with isoleucine.
Molecular consequence: missense variant. On other transcripts: 5 prime UTR variant (2).
Genome position (GRCh38, 1-based): chr5:138,781,934, G>A. VCF-style: chr5-138781934-G-A. GRCh37 (hg19) VCF-style: chr5-138117623-G-A.
Other names: c.10G>A, p.Val4Ile (NM_001290307.3, NM_001323982.2, NM_001323983.1 and 3 more transcripts); c.-104G>A (NM_001290309.3); c.-197G>A (NM_001290310.3); short protein forms V4I.
Identifiers: ClinVar variation 1792062 (VCV001792062.7), dbSNP rs1307799059, ClinGen allele CA361477035.

ClinVar aggregate classification (germline): Uncertain significance. Review status: criteria provided, multiple submitters, no conflicts (2 of 4 stars). 2 submissions from 2 submitters: Uncertain significance (2). Last evaluated 2022-07-17.

Conditions:
Hereditary cancer-predisposing syndrome. Also called: Hereditary Cancer Syndrome; Hereditary neoplastic syndrome; Tumor predisposition; Neoplastic Syndromes, Hereditary. Identifiers: Orphanet 140162, MedGen C0027672, MeSH D009386, MONDO:0015356.

Submissions (2):

Ambry Genetics
Classification: Uncertain significance for Hereditary cancer-predisposing syndrome. Last evaluated: 2022-07-17. Review status: criteria provided, single submitter. Criteria: Ambry Variant Classification Scheme 2023. Collection method: clinical testing. Allele origin: germline.
Comment: The p.V4I variant (also known as c.10G>A), located in coding exon 1 of the CTNNA1 gene, results from a G to A substitution at nucleotide position 10. The valine at codon 4 is replaced by isoleucine, an amino acid with highly similar properties. This amino acid position is conserved. In addition, this alteration is predicted to be tolerated by in silico analysis. Since supporting evidence is limited at this time, the clinical significance of this alteration remains unclear.

Labcorp Genetics (formerly Invitae), Labcorp
Classification: Uncertain significance. Last evaluated: 2022-02-20. Review status: criteria provided, single submitter. Criteria: Invitae Variant Classification Sherloc (09022015). Collection method: clinical testing. Allele origin: germline.
Comment: In summary, the available evidence is currently insufficient to determine the role of this variant in disease. Therefore, it has been classified as a Variant of Uncertain Significance. Algorithms developed to predict the effect of missense changes on protein structure and function (SIFT, PolyPhen-2, Align-GVGD) all suggest that this variant is likely to be tolerated. This variant has not been reported in the literature in individuals affected with CTNNA1-related conditions. This variant is not present in population databases (gnomAD no frequency). This sequence change replaces valine, which is neutral and non-polar, with isoleucine, which is neutral and non-polar, at codon 4 of the CTNNA1 protein (p.Val4Ile).